The following is an entry in ClinVar:

ClinVar aggregate classification (germline): Likely benign (1 of 4 stars; one submission).

Submission:

CeGaT Center for Human Genetics Tuebingen
Classification: Likely benign. Last evaluated: 2026-07-01. Review status: criteria provided, single submitter. Criteria: CeGaT Center For Human Genetics Tuebingen Variant Classification Criteria Version 2. Collection method: clinical testing. Allele origin: germline. Affected: yes. Observed: 1 variant allele.
Comment: NEK9: PM2:Supporting, BP4, BP7

NM_033116.6(NEK9):c.2661T>A (p.Pro887=)

Gene: NEK9 (NIMA related kinase 9; minus strand). Cytogenetic location: 14q24.3.
Variant type: single nucleotide variant.
Coding change: c.2661T>A on transcript NM_033116.6 (MANE Select); coding-DNA position 2661, T replaced by A.
Protein change: p.Pro887=; no amino-acid change (proline 887 retained).
Molecular consequence: synonymous variant.
Genome position (GRCh38, 1-based): chr14:75,087,174, A>T on the plus strand (T>A on the coding strand, the complement: NEK9 is on the minus strand). VCF-style: chr14-75087174-A-T. GRCh37 (hg19) VCF-style: chr14-75553877-A-T.
Other names: c.2697T>A, p.Pro899= (NM_001329237.2); c.2307T>A, p.Pro769= (NM_001329238.2).
Identifiers: ClinVar variation 4873110 (VCV004873110.2).